The following is an entry in ClinVar:

ClinVar aggregate classification (germline): Pathogenic (1 of 4 stars; one submission).

Conditions:
Hereditary cancer-predisposing syndrome. Also called: Neoplastic Syndromes, Hereditary; Tumor predisposition; Hereditary Cancer Syndrome; Hereditary neoplastic syndrome. Identifiers: Orphanet 140162, MedGen C0027672, MeSH D009386, MONDO:0015356.

Submission:

Color Diagnostics, LLC DBA Color Health
Classification: Pathogenic for Hereditary cancer-predisposing syndrome. Last evaluated: 2019-09-03. Review status: criteria provided, single submitter. Criteria: ACMG Guidelines, 2015. Collection method: clinical testing. Allele origin: germline.
Comment: This variant deletes 1 nucleotide in exon 16 of the APC gene, creating a frameshift and premature translation stop signal. This variant is expected to truncate the encoded protein before the EB1 binding and HDLG binding domains (PMID: 15699215, 8638125, 21858148). Splice site prediction tools suggest that this variant may not impact RNA splicing. While functional studies have not been performed for this variant, the interaction between APC and HDLG1 has been reported to be important for the negative regulation of cell cycle progression and the regulation of epithelial cell migration and morphogenesis (PMID: 10656683, 17295841). This variant has not been reported in individuals affected with hereditary cancer in the literature. This variant has not been identified in the general population by the Genome Aggregation Database (gnomAD). Loss of APC function is a known mechanism of disease. Based on the available evidence, this variant is classified as Pathogenic.

NM_000038.6(APC):c.7226del (p.Gly2409fs)

Gene: APC (APC regulator of Wnt signaling pathway; plus strand). Cytogenetic location: 5q22.2.
Variant type: Deletion.
Coding change: c.7226del on transcript NM_000038.6 (MANE Select); coding-DNA position 7226, one base deleted (G; older notation c.7226delG).
Protein change: p.Gly2409fs; shifts the reading frame from glycine 2409.
Molecular consequence: frameshift variant.
Genome position (GRCh38, 1-based): chr5:112,842,820, G deleted; the last of 2 consecutive G bases (chr5:112,842,819-112,842,820); deleting either gives the same sequence. VCF-style (leftmost placement, unchanged base first): chr5-112842818-TG-T. GRCh37 (hg19) VCF-style: chr5-112178515-TG-T.
Other names: c.7226del, p.Gly2409fs (NM_001127510.3, NM_001354895.2); c.7172del, p.Gly2391fs (NM_001127511.3); c.7280del, p.Gly2427fs (NM_001354896.2); c.7256del, p.Gly2419fs (NM_001354897.2); c.7151del, p.Gly2384fs (NM_001354898.2); c.7142del, p.Gly2381fs (NM_001354899.2); c.7103del, p.Gly2368fs (NM_001354900.2); c.7049del, p.Gly2350fs (NM_001354901.2); and 5 more; short protein forms G2126fs, G2249fs, G2308fs, G2384fs, G2391fs, G2318fs, G2381fs, G2283fs.
Identifiers: ClinVar variation 922541 (VCV000922541.3), dbSNP rs1766419869, ClinGen allele CA1139659001.